The following is an entry in ClinVar:

ClinVar aggregate classification (germline): Conflicting classifications of pathogenicity. Review status: criteria provided, conflicting classifications (1 of 4 stars). 3 submissions from 3 submitters: Uncertain significance (2); Likely benign (1). Last evaluated 2025-07-19.

Conditions:
Hereditary breast ovarian cancer syndrome. Also called: Breast and ovarian cancer; Hereditary breast and ovarian cancer; Hereditary breast and/or ovarian cancer syndrome; BRCA1- and BRCA2-Associated Hereditary Breast and Ovarian Cancer; Hereditary breast and ovarian cancer syndrome; Hereditary breast and ovarian cancer syndrome (HBOC). Identifiers: Orphanet 145, MedGen C0677776, MeSH D061325, MONDO:0003582. Disease mechanism: loss of function.
Hereditary cancer-predisposing syndrome. Also called: Tumor predisposition; Hereditary neoplastic syndrome; Neoplastic Syndromes, Hereditary; Hereditary Cancer Syndrome. Identifiers: Orphanet 140162, MedGen C0027672, MeSH D009386, MONDO:0015356.

Submissions (3):

Ambry Genetics
Classification: Uncertain significance for Hereditary cancer-predisposing syndrome. Last evaluated: 2025-07-19. Review status: criteria provided, single submitter. Criteria: Ambry Variant Classification Scheme 2023. Collection method: clinical testing. Allele origin: germline.
Comment: The p.P2114S variant (also known as c.6340C>T), located in coding exon 10 of the BRCA2 gene, results from a C to T substitution at nucleotide position 6340. The proline at codon 2114 is replaced by serine, an amino acid with similar properties. This amino acid position is conserved. In addition, this alteration is predicted to be tolerated by in silico analysis. Based on the available evidence, the clinical significance of this variant remains unclear.

University of Washington Department of Laboratory Medicine, University of Washington
Classification: Likely benign for Hereditary cancer-predisposing syndrome. Last evaluated: 2023-03-23. Review status: criteria provided, single submitter. Criteria: Dines et al. (Genet Med. 2020). Collection method: curation. Allele origin: germline.
Comment: Missense variant in a coldspot region where missense variants are very unlikely to be pathogenic (PMID:31911673).

BRCA2 exon 11 coldspot. Reclassification based on statistical prior probability.

Labcorp Genetics (formerly Invitae), Labcorp
Classification: Uncertain significance for Hereditary breast ovarian cancer syndrome. Last evaluated: 2023-03-14. Review status: criteria provided, single submitter. Criteria: Invitae Variant Classification Sherloc (09022015). Collection method: clinical testing. Allele origin: germline.
Comment: In summary, the available evidence is currently insufficient to determine the role of this variant in disease. Therefore, it has been classified as a Variant of Uncertain Significance. Advanced modeling of protein sequence and biophysical properties (such as structural, functional, and spatial information, amino acid conservation, physicochemical variation, residue mobility, and thermodynamic stability) performed at Invitae indicates that this missense variant is not expected to disrupt BRCA2 protein function. ClinVar contains an entry for this variant (Variation ID: 845424). This variant has not been reported in the literature in individuals affected with BRCA2-related conditions. This variant is not present in population databases (gnomAD no frequency). This sequence change replaces proline, which is neutral and non-polar, with serine, which is neutral and polar, at codon 2114 of the BRCA2 protein (p.Pro2114Ser).

NM_000059.4(BRCA2):c.6340C>T (p.Pro2114Ser)

Gene: BRCA2 (BRCA2 DNA repair associated; plus strand). Cytogenetic location: 13q13.1.
Variant type: single nucleotide variant.
Coding change: c.6340C>T on transcript NM_000059.4 (MANE Select); coding-DNA position 6340, C replaced by T.
Protein change: p.Pro2114Ser; replaces proline 2114 with serine.
Molecular consequence: missense variant.
Genome position (GRCh38, 1-based): chr13:32,340,695, C>T. VCF-style: chr13-32340695-C-T. GRCh37 (hg19) VCF-style: chr13-32914832-C-T.
Other names: short protein forms P2114S.
Identifiers: ClinVar variation 845424 (VCV000845424.12), dbSNP rs2072552879, ClinGen allele CA387789104.